The following is an entry in ClinVar:

NM_138477.4(CDAN1):c.2491A>C (p.Thr831Pro)

Gene: CDAN1 (codanin 1; minus strand). Cytogenetic location: 15q15.2.
Variant type: single nucleotide variant.
Coding change: c.2491A>C on transcript NM_138477.4 (MANE Select); coding-DNA position 2491, A replaced by C.
Protein change: p.Thr831Pro; replaces threonine 831 with proline.
Molecular consequence: missense variant.
Genome position (GRCh38, 1-based): chr15:42,729,279, T>G on the plus strand (A>C on the coding strand, the complement: CDAN1 is on the minus strand). VCF-style: chr15-42729279-T-G. GRCh37 (hg19) VCF-style: chr15-43021477-T-G.
Other names: p.Thr831Pro; c.2491A>C, p.Thr831Pro (LRG_1164t1); short protein forms T831P.
Identifiers: ClinVar variation 432604 (VCV000432604.9), dbSNP rs200256582, ClinGen allele CA7515639.

ClinVar aggregate classification (germline): Uncertain significance. Review status: criteria provided, multiple submitters, no conflicts (2 of 4 stars). 5 submissions from 5 submitters: Uncertain significance (5). Last evaluated 2025-11-24.

Conditions:
Inborn genetic diseases. Identifiers: MedGen C0950123, MeSH D030342.
Anemia, congenital dyserythropoietic, type 1a (CDAN1A). Also called: CDAN1-Related Congenital Dyserythropoietic Anemia; DYSERYTHROPOIETIC ANEMIA, CONGENITAL, TYPE Ia. Identifiers: MedGen C5574667, MONDO:0009135, OMIM 224120.

Allele frequency attached by ClinVar (database versions not stated): TOPMed 0.00009; gnomAD exomes 0.00020; ExAC 0.00029.
gnomAD v4.1: 63 of 1,612,636 alleles (0.0039%); highest among the groups gnomAD compares: Admixed American, 0.087%; 1 homozygote.

Submissions (5):

Ambry Genetics
Classification: Uncertain significance for Inborn genetic diseases. Last evaluated: 2025-11-24. Review status: criteria provided, single submitter. Criteria: Ambry Variant Classification Scheme 2023. Collection method: clinical testing. Allele origin: germline.

Labcorp Genetics (formerly Invitae), Labcorp
Classification: Uncertain significance. Last evaluated: 2024-08-29. Review status: criteria provided, single submitter. Criteria: Invitae Variant Classification Sherloc (09022015). Collection method: clinical testing. Allele origin: germline.
Comment: This sequence change replaces threonine, which is neutral and polar, with proline, which is neutral and non-polar, at codon 831 of the CDAN1 protein (p.Thr831Pro). This variant is present in population databases (rs200256582, gnomAD 0.1%). This variant has not been reported in the literature in individuals affected with CDAN1-related conditions. ClinVar contains an entry for this variant (Variation ID: 432604). An algorithm developed to predict the effect of missense changes on protein structure and function (PolyPhen-2) suggests that this variant¬†is likely to be tolerated. In summary, the available evidence is currently insufficient to determine the role of this variant in disease. Therefore, it has been classified as a Variant of Uncertain Significance.

ARUP Laboratories, Molecular Genetics and Genomics, ARUP Laboratories
Classification: Uncertain significance for Anemia, congenital dyserythropoietic, type 1a. Last evaluated: 2024-02-06. Review status: criteria provided, single submitter. Criteria: ARUP Molecular Germline Variant Investigation Process 2024. Collection method: clinical testing. Allele origin: germline.

Mayo Clinic Laboratories, Mayo Clinic
Classification: Uncertain significance. Last evaluated: 2021-07-15. Review status: criteria provided, single submitter. Criteria: ACMG Guidelines, 2015. Collection method: clinical testing. Allele origin: germline.

GeneDx
Classification: Uncertain significance. Last evaluated: 2017-06-12. Review status: criteria provided, single submitter. Criteria: GeneDx Variant Classification (06012015). Collection method: clinical testing. Allele origin: germline. Affected: yes.
Comment: The T831P variant in the CDAN1 gene has not been reported previously as a pathogenic variant, nor as a benign variant, to our knowledge. The T831P variant is observed in 31/11564 (0.27%) alleles from individuals of Latino background, in large population cohorts (Lek et al., 2016; 1000 Genomes Consortium et al., 2015; Exome Variant Server). The T831P variant is a non-conservative amino acid substitution, which is likely to impact secondary protein structure as these residues differ in polarity, charge, size and/or other properties. This substitution occurs at a position that is not conserved. In silico analysis is inconsistent in its predictions as to whether or not the variant is damaging to the protein structure/function. We interpret T831P as a variant of uncertain significance.